The following is an entry in ClinVar:

ClinVar aggregate classification (germline): Pathogenic/Likely pathogenic. Review status: criteria provided, multiple submitters, no conflicts (2 of 4 stars). 3 submissions from 3 submitters: Pathogenic (2); Likely pathogenic (1). Last evaluated 2024-10-15.

Conditions:
Galactosemia. Also called: Galactose intolerance. Identifiers: Orphanet 352, MedGen C0016952, MONDO:0018116, HP:0004919. Disease mechanism: loss of function.
Deficiency of UDPglucose-hexose-1-phosphate uridylyltransferase. Also called: GALACTOSEMIA I; GALT deficiency; Galactosemia, classic; GALACTOSE-1-PHOSPHATE URIDYLYLTRANSFERASE DEFICIENCY; Transferase Deficiency Galactosemia. Identifiers: Orphanet 352, Orphanet 79239, MedGen C0268151, MONDO:0009258, OMIM 230400.

Allele frequency attached by ClinVar (database versions not stated): TOPMed 0.00001 and 0.00002.

Submissions (3):

Natera, Inc.
Classification: Likely pathogenic for Galactosemia. Last evaluated: 2024-10-15. Review status: criteria provided, single submitter. Criteria: Natera Variant Classification Schema (03/2026). Collection method: clinical testing. Allele origin: germline.
Comment: The c.460T>C variant in GALT is a missense variant predicted to cause substitution of tryptophan to arginine at amino acid 154. This variant is rare in the general population with a frequency below the threshold expected for the associated phenotype(s). This variant has been observed in one or more individuals affected with the associated recessive disease, as either homozygous or compound heterozygous with a second variant (PMID: 31194682, 29892033). Additionally, this variant has been observed to segregate in affected family members (PMID: 31194682). Computational prediction algorithms indicate this variant is likely to affect gene or protein function. Given the available evidence, this variant is classified as Likely Pathogenic.

CeGaT Center for Human Genetics Tuebingen
Classification: Pathogenic. Last evaluated: 2024-08-01. Review status: criteria provided, single submitter. Criteria: CeGaT Center For Human Genetics Tuebingen Variant Classification Criteria Version 2. Collection method: clinical testing. Allele origin: germline. Affected: yes. Observed: 1 variant allele.
Comment: GALT: PM3:Strong, PM1, PM2, PP4:Moderate, PM5:Supporting, PP3

Labcorp Genetics (formerly Invitae), Labcorp
Classification: Pathogenic for Deficiency of UDPglucose-hexose-1-phosphate uridylyltransferase. Last evaluated: 2023-06-11. Review status: criteria provided, single submitter. Criteria: Invitae Variant Classification Sherloc (09022015). Collection method: clinical testing. Allele origin: germline.
Comment: This sequence change replaces tryptophan, which is neutral and slightly polar, with arginine, which is basic and polar, at codon 154 of the GALT protein (p.Trp154Arg). This variant is not present in population databases (gnomAD no frequency). This missense change has been observed in individual(s) with classic galactosemia (PMID: 31194682). Advanced modeling of protein sequence and biophysical properties (such as structural, functional, and spatial information, amino acid conservation, physicochemical variation, residue mobility, and thermodynamic stability) performed at Invitae indicates that this missense variant is expected to disrupt GALT protein function. For these reasons, this variant has been classified as Pathogenic.

Literature cited by the submitters: PubMed 31194682 (cited by Natera, Inc. and Labcorp Genetics (formerly Invitae), Labcorp); PubMed 29892033 (cited by Natera, Inc.).

NM_000155.4(GALT):c.460T>C (p.Trp154Arg)

Gene: GALT (galactose-1-phosphate uridylyltransferase; plus strand). Cytogenetic location: 9p13.3.
Variant type: single nucleotide variant.
Coding change: c.460T>C on transcript NM_000155.4 (MANE Select); coding-DNA position 460, T replaced by C.
Protein change: p.Trp154Arg; replaces tryptophan 154 with arginine.
Molecular consequence: missense variant.
Genome position (GRCh38, 1-based): chr9:34,647,914, T>C. VCF-style: chr9-34647914-T-C. GRCh37 (hg19) VCF-style: chr9-34647911-T-C.
Other names: c.460T>C (NM_000155.3); c.133T>C, p.Trp45Arg (NM_001258332.2); short protein forms W45R.
Identifiers: ClinVar variation 2907389 (VCV002907389.20), dbSNP rs111033702, ClinGen allele CA259398.